The following is an entry in ClinVar:

NM_001369268.1(ACAN):c.3066C>A (p.Thr1022=)

Gene: ACAN (aggrecan; plus strand). Cytogenetic location: 15q26.1.
Variant type: single nucleotide variant.
Coding change: c.3066C>A on transcript NM_001369268.1 (MANE Select); coding-DNA position 3066, C replaced by A.
Protein change: p.Thr1022=; no amino-acid change (threonine 1022 retained).
Molecular consequence: synonymous variant.
Genome position (GRCh38, 1-based): chr15:88,855,651, C>A. VCF-style: chr15-88855651-C-A. GRCh37 (hg19) VCF-style: chr15-89398882-C-A.
Other names: c.3066C>A, p.Thr1022= (NM_001135.4, NM_001411096.1, NM_001411097.1 and 1 more transcripts).
Identifiers: ClinVar variation 3777985 (VCV003777985.7).
Genomic context (GRCh38, chr15:88,855,651, plus strand): 5'-GACCACTGCCCCTGGAGTAGAGGACATCAGCGGGCTTCCTTCTGGAGAAGTTCTAGAGAC[C>A]ACTGCCCCTGGAGTAGAGGACATCAGCGGGCTTCCTTCTGGAGAAGTTCTAGAGACCACT-3'
Protein context (NP_001356197.1, residues 1012-1032): SGLPSGEVLE[Thr1022=]TAPGVEDISG

ClinVar aggregate classification (germline): Likely benign (1 of 4 stars; one submission).

Submission:

CeGaT Center for Human Genetics Tuebingen
Classification: Likely benign. Last evaluated: 2025-03-01. Review status: criteria provided, single submitter. Criteria: CeGaT Center For Human Genetics Tuebingen Variant Classification Criteria Version 2. Collection method: clinical testing. Allele origin: germline. Affected: yes. Observed: 1 variant allele.
Comment: ACAN: PM2:Supporting, BP4, BP7